The following is an entry in ClinVar:

ClinVar aggregate classification (germline): Uncertain significance (1 of 4 stars; one submission).

Allele frequency attached by ClinVar (database versions not stated): gnomAD exomes below 0.00001.
gnomAD v4.1: 1 of 1,614,092 alleles (0.000062%); highest among the groups gnomAD compares: Non-Finnish European, 0.000085%; no homozygotes.

Submission:

Ambry Genetics
Classification: Uncertain significance. Last evaluated: 2022-02-03. Review status: criteria provided, single submitter. Criteria: Ambry Variant Classification Scheme 2023. Collection method: clinical testing. Allele origin: germline.
Comment: The p.Y329D variant (also known as c.985T>G), located in coding exon 3 of the ALPK2 gene, results from a T to G substitution at nucleotide position 985. The tyrosine at codon 329 is replaced by aspartic acid, an amino acid with highly dissimilar properties. This amino acid position is conserved. In addition, this alteration is predicted to be deleterious by in silico analysis. Since supporting evidence is limited at this time, the clinical significance of this alteration remains unclear.

NM_052947.4(ALPK2):c.985T>G (p.Tyr329Asp)

Genes: ALPK2 (alpha kinase 2; minus strand), LOC114803473 (ALPK2 eExon liver enhancer; plus strand). Cytogenetic location: 18q21.31.
Variant type: single nucleotide variant.
Coding change: c.985T>G on transcript NM_052947.4 (MANE Select); coding-DNA position 985, T replaced by G.
Protein change: p.Tyr329Asp; replaces tyrosine 329 with aspartic acid.
Molecular consequence: missense variant.
Genome position (GRCh38, 1-based): chr18:58,579,791, A>C on the plus strand (T>G on the coding strand, the complement: ALPK2 is on the minus strand). VCF-style: chr18-58579791-A-C. GRCh37 (hg19) VCF-style: chr18-56247023-A-C.
Other names: short protein forms Y329D.
Identifiers: ClinVar variation 1768427 (VCV001768427.2), dbSNP rs2051946407, ClinGen allele CA402565229.
Genomic context (GRCh38, chr18:58,579,791, plus strand): 5'-GCAGGTTCCTTTGCCAAACTGCATTAGAGTAATCCGTCATAACATCAGAACATTCCAGAT[A>C]CTCCAGGTCATCATCTGAAAACTCCTCGGTGTAGGTTAGGGTTATCTCTGGGCAAAGTTC-3'
Protein context (NP_443179.3, residues 319-339): TEEFSDDDLE[Tyr329Asp]LECSDVMTDY